The following is an entry in ClinVar:

ClinVar aggregate classification (germline): Uncertain significance (1 of 4 stars; one submission).

Conditions:
Inborn genetic diseases. Identifiers: MedGen C0950123, MeSH D030342.

Submission:

Ambry Genetics
Classification: Uncertain significance for Inborn genetic diseases. Last evaluated: 2022-04-19. Review status: criteria provided, single submitter. Criteria: Ambry Variant Classification Scheme 2023. Collection method: clinical testing. Allele origin: germline.
Comment: The p.D178G variant (also known as c.533A>G), located in coding exon 7 of the ERCC2 gene, results from an A to G substitution at nucleotide position 533. The aspartic acid at codon 178 is replaced by glycine, an amino acid with similar properties. This amino acid position is conserved. In addition, this alteration is predicted to be deleterious by in silico analysis. Since supporting evidence is limited at this time, the clinical significance of this alteration remains unclear.

NM_000400.4(ERCC2):c.533A>G (p.Asp178Gly)

Gene: ERCC2 (ERCC excision repair 2, TFIIH core complex helicase subunit; minus strand). Cytogenetic location: 19q13.32.
Variant type: single nucleotide variant.
Coding change: c.533A>G on transcript NM_000400.4 (MANE Select); coding-DNA position 533, A replaced by G.
Protein change: p.Asp178Gly; replaces aspartic acid 178 with glycine.
Molecular consequence: missense variant.
Genome position (GRCh38, 1-based): chr19:45,364,899, T>C on the plus strand (A>G on the coding strand, the complement: ERCC2 is on the minus strand). VCF-style: chr19-45364899-T-C. GRCh37 (hg19) VCF-style: chr19-45868157-T-C.
Other names: c.461A>G, p.Asp154Gly (NM_001130867.2); short protein forms D178G, D154G.
Identifiers: ClinVar variation 1746917 (VCV001746917.3), dbSNP rs2514034133, ClinGen allele CA406375709.
Genomic context (GRCh38, chr19:45,364,899, plus strand): 5'-GAGTATCGAGCAAGGAAGTATGGGCACCAGCCCTGGCGCCGCCCCAGGGCCTTCAGGTCA[T>C]CCAGGTTGTAGATGCCAGCGGGGAGGGGCACCTCACGCCCATGGGCATCAAATTCCTGGG-3'
Protein context (NP_000391.1, residues 168-188): VPLPAGIYNL[Asp178Gly]DLKALGRRQG